The following is an entry in ClinVar:

ClinVar aggregate classification (germline): Uncertain significance (1 of 4 stars; one submission).

Allele frequency attached by ClinVar (database versions not stated): TOPMed below 0.00001.

Submission:

Labcorp Genetics (formerly Invitae), Labcorp
Classification: Uncertain significance. Last evaluated: 2025-03-23. Review status: criteria provided, single submitter. Criteria: Invitae Variant Classification Sherloc (09022015). Collection method: clinical testing. Allele origin: germline.
Comment: This sequence change replaces aspartic acid, which is acidic and polar, with valine, which is neutral and non-polar, at codon 2134 of the POLE protein (p.Asp2134Val). This variant is not present in population databases (gnomAD no frequency). This variant has not been reported in the literature in individuals affected with POLE-related conditions. ClinVar contains an entry for this variant (Variation ID: 1352109). Invitae Evidence Modeling of protein sequence and biophysical properties (such as structural, functional, and spatial information, amino acid conservation, physicochemical variation, residue mobility, and thermodynamic stability) indicates that this missense variant is not expected to disrupt POLE protein function with a negative predictive value of 80%. In summary, the available evidence is currently insufficient to determine the role of this variant in disease. Therefore, it has been classified as a Variant of Uncertain Significance.

NM_006231.4(POLE):c.6401A>T (p.Asp2134Val)

Gene: POLE (DNA polymerase epsilon, catalytic subunit; minus strand). Cytogenetic location: 12q24.33.
Variant type: single nucleotide variant.
Coding change: c.6401A>T on transcript NM_006231.4 (MANE Select); coding-DNA position 6401, A replaced by T.
Protein change: p.Asp2134Val; replaces aspartic acid 2134 with valine.
Molecular consequence: missense variant.
Genome position (GRCh38, 1-based): chr12:132,626,247, T>A on the plus strand (A>T on the coding strand, the complement: POLE is on the minus strand). VCF-style: chr12-132626247-T-A. GRCh37 (hg19) VCF-style: chr12-133202833-T-A.
Other names: short protein forms D2134V.
Identifiers: ClinVar variation 1352109 (VCV001352109.8), dbSNP rs2041837520, ClinGen allele CA387367685.